The following is an entry in ClinVar:

NC_000011.9:g.(?_111171709)_(111958707_?)del

Genes: DIXDC1 (DIX domain containing 1; plus strand), DLAT (dihydrolipoamide S-acetyltransferase; plus strand), PIH1D2 (PIH1 domain containing 2; minus strand), CRYAB (crystallin alpha B; minus strand), C11orf52 (chromosome 11 open reading frame 52; plus strand) and 17 more. Cytogenetic location: 11q23.1.
Variant type: Deletion.
Identifiers: ClinVar variation 2424604 (VCV002424604.1).

ClinVar aggregate classification (germline): Pathogenic (1 of 4 stars; one submission).

Conditions:
Carney-Stratakis syndrome. Also called: PARAGANGLIOMA AND GASTROINTESTINAL STROMAL TUMOR. Identifiers: Orphanet 97286, MedGen C1847319, MONDO:0011740, OMIM 606864.
Paragangliomas with sensorineural hearing loss. Identifiers: MedGen C1868633.
Cowden syndrome 3 (CWS3). Identifiers: Orphanet 201, MedGen CN166604, MONDO:0014045.
Pheochromocytoma. Also called: MAX-Related Hereditary Paraganglioma-Pheochromocytoma Syndrome. Identifiers: Orphanet 29072, MedGen C0031511, MONDO:0008233, OMIM 171300, HP:0002666.

Submission:

Labcorp Genetics (formerly Invitae), Labcorp
Classification: Pathogenic for Carney-Stratakis syndrome; Paragangliomas with sensorineural hearing loss; Pheochromocytoma; Cowden syndrome 3. Last evaluated: 2021-08-04. Review status: criteria provided, single submitter. Criteria: Invitae Variant Classification Sherloc (09022015). Collection method: clinical testing. Allele origin: germline.
Comment: This variant is a gross deletion of the genomic region encompassing exon(s) 1-2 of the SDHD gene, which includes the initiator codon. The 5' end of this event is unknown as it extends beyond the assayed region for this gene and therefore may encompass additional genes. The 3' boundary is likely confined to intron 2 of the SDHD gene. It is expected to result in an absent or disrupted protein product. Loss-of-function variants in SDHD are known to be pathogenic (PMID: 19454582, 19802898). A similar copy number variant has been observed in individual(s) with head and neck paragangliomas (HNPGL) (PMID: 19351833; Invitae). For these reasons, this variant has been classified as Pathogenic.

Literature cited by the submitters: PubMed 19454582; PubMed 19802898; PubMed 19351833.